The following is an entry in ClinVar:

NM_001379210.1(SLC25A26):c.45A>G (p.Val15=)

Gene: SLC25A26 (solute carrier family 25 member 26; plus strand). Cytogenetic location: 3p14.1.
Variant type: single nucleotide variant.
Coding change: c.45A>G on transcript NM_001379210.1 (MANE Select); coding-DNA position 45, A replaced by G.
Protein change: p.Val15=; no amino-acid change (valine 15 retained).
Molecular consequence: synonymous variant. On other transcripts: 5 prime UTR variant (1), intron variant (1).
Genome position (GRCh38, 1-based): chr3:66,236,555, A>G. VCF-style: chr3-66236555-A-G. GRCh37 (hg19) VCF-style: chr3-66286979-A-G.
Other names: c.-220A>G (NM_001350993.1); c.45A>G, p.Val15= (NM_173471.4); c.-74-6648A>G (NM_001164796.1).
Identifiers: ClinVar variation 1317386 (VCV001317386.4), dbSNP rs373565149, ClinGen allele CA2483599.

ClinVar aggregate classification (germline): Likely benign. Review status: criteria provided, single submitter (1 of 4 stars). 2 submissions from 2 submitters: Likely benign (1). 1 of the submissions does not count toward it. Last evaluated 2020-11-04.

Conditions:
SLC25A26-related disorder. Also called: SLC25A26-related condition.

Allele frequency attached by ClinVar (database versions not stated): gnomAD exomes 0.00013 and 0.00034; ExAC 0.00080; gnomAD 0.00131 and 0.00146; TOPMed 0.00155; ESP Exome Variant Server 0.00175; 1000 Genomes Project 30x 0.00187; 1000 Genomes Project 0.00220.
gnomAD v4.1: 384 of 1,442,420 alleles (0.027%); highest among the groups gnomAD compares: African/African-American, 0.48%; no homozygotes.

Submissions (2):

GeneDx
Classification: Likely benign. Last evaluated: 2020-11-04. Review status: criteria provided, single submitter. Criteria: GeneDx Variant Classification Process June 2021. Collection method: clinical testing. Allele origin: germline. Affected: yes.

PreventionGenetics, part of Exact Sciences
Classification: Likely benign for SLC25A26-related condition. Last evaluated: 2019-11-25. Review status: no assertion criteria provided. Collection method: clinical testing. Allele origin: germline. Not counted in ClinVar's aggregate classification.
Comment: This variant is classified as likely benign based on ACMG/AMP sequence variant interpretation guidelines (Richards et al. 2015 PMID: 25741868, with internal and published modifications).